The following is an entry in ClinVar:

NM_018089.3(ANKZF1):c.1830G>A (p.Met610Ile)

Gene: ANKZF1 (ankyrin repeat and zinc finger peptidyl tRNA hydrolase 1; plus strand). Cytogenetic location: 2q35.
Variant type: single nucleotide variant.
Coding change: c.1830G>A on transcript NM_018089.3 (MANE Select); coding-DNA position 1830, G replaced by A.
Protein change: p.Met610Ile; replaces methionine 610 with isoleucine.
Molecular consequence: missense variant.
Genome position (GRCh38, 1-based): chr2:219,235,734, G>A. VCF-style: chr2-219235734-G-A. GRCh37 (hg19) VCF-style: chr2-220100456-G-A.
Other names: c.1830G>A, p.Met610Ile (NM_001042410.2); c.1200G>A, p.Met400Ile (NM_001282792.2); short protein forms M610I, M400I.
Identifiers: ClinVar variation 3298599 (VCV003298599.3).
Genomic context (GRCh38, chr2:219,235,734, plus strand): 5'-TAACTTATAGGGTCTTATATTTGAAATCCTCCAGGTGCCAGGACCATTGACACCAGAAAT[G>A]GAGGCACGGCAGGCTACACGGAAAAGGGAGCAGAAGGCAGCCCGGCGGCAACGGGAGGAA-3'
Protein context (NP_060559.2, residues 600-620): AQVPGPLTPE[Met610Ile]EARQATRKRE

ClinVar aggregate classification (germline): Uncertain significance. Review status: criteria provided, multiple submitters, no conflicts (2 of 4 stars). 2 submissions from 2 submitters: Uncertain significance (2). Last evaluated 2025-08-09.

Submissions (2):

Labcorp Genetics (formerly Invitae), Labcorp
Classification: Uncertain significance. Last evaluated: 2025-08-09. Review status: criteria provided, single submitter. Criteria: Invitae Variant Classification Sherloc (09022015). Collection method: clinical testing. Allele origin: germline.
Comment: This sequence change replaces methionine, which is neutral and non-polar, with isoleucine, which is neutral and non-polar, at codon 610 of the ANKZF1 protein (p.Met610Ile). This variant is present in population databases (rs766673880, gnomAD 0.02%). This variant has not been reported in the literature in individuals affected with ANKZF1-related conditions. ClinVar contains an entry for this variant (Variation ID: 3298599). An algorithm developed to predict the effect of missense changes on protein structure and function (PolyPhen-2) suggests that this variant is likely to be tolerated. In summary, the available evidence is currently insufficient to determine the role of this variant in disease. Therefore, it has been classified as a Variant of Uncertain Significance.

Ambry Genetics
Classification: Uncertain significance. Last evaluated: 2024-04-19. Review status: criteria provided, single submitter. Criteria: Ambry Variant Classification Scheme 2023. Collection method: clinical testing. Allele origin: germline.